The following is an entry in ClinVar:

ClinVar aggregate classification (germline): Uncertain significance (1 of 4 stars; one submission).

Conditions:
RASopathy. Also called: Noonan spectrum disorder; rasopathies. Identifiers: Orphanet 536391, MedGen C5555857, MONDO:0021060.

Submission:

Labcorp Genetics (formerly Invitae), Labcorp
Classification: Uncertain significance for RASopathy. Last evaluated: 2025-12-01. Review status: criteria provided, single submitter. Criteria: Invitae Variant Classification Sherloc (09022015). Collection method: clinical testing. Allele origin: germline.
Comment: This sequence change replaces glutamine, which is neutral and polar, with proline, which is neutral and non-polar, at codon 715 of the CBL protein (p.Gln715Pro). This variant is not present in population databases (gnomAD no frequency). This variant has not been reported in the literature in individuals affected with CBL-related conditions. ClinVar contains an entry for this variant (Variation ID: 2889124). Invitae Evidence Modeling of protein sequence and biophysical properties (such as structural, functional, and spatial information, amino acid conservation, physicochemical variation, residue mobility, and thermodynamic stability) indicates that this missense variant is not expected to disrupt CBL protein function with a negative predictive value of 95%. In summary, the available evidence is currently insufficient to determine the role of this variant in disease. Therefore, it has been classified as a Variant of Uncertain Significance.

NM_005188.4(CBL):c.2144A>C (p.Gln715Pro)

Gene: CBL (Cbl proto-oncogene; plus strand). Cytogenetic location: 11q23.3.
Variant type: single nucleotide variant.
Coding change: c.2144A>C on transcript NM_005188.4 (MANE Select); coding-DNA position 2144, A replaced by C.
Protein change: p.Gln715Pro; replaces glutamine 715 with proline.
Molecular consequence: missense variant.
Genome position (GRCh38, 1-based): chr11:119,297,025, A>C. VCF-style: chr11-119297025-A-C. GRCh37 (hg19) VCF-style: chr11-119167735-A-C.
Other names: short protein forms Q715P.
Identifiers: ClinVar variation 2889124 (VCV002889124.3), dbSNP rs2496971181, ClinGen allele CA382927403.